The following is an entry in ClinVar:

ClinVar aggregate classification (germline): Uncertain significance (1 of 4 stars; one submission).

Allele frequency attached by ClinVar (database versions not stated): TOPMed below 0.00001; gnomAD 0.00001; gnomAD exomes 0.00001 and 0.00002; ExAC 0.00002.
gnomAD v4.1: 34 of 1,613,580 alleles (0.0021%); highest among the groups gnomAD compares: Middle Eastern, 0.016%; no homozygotes.

Submission:

Labcorp Genetics (formerly Invitae), Labcorp
Classification: Uncertain significance. Last evaluated: 2022-03-02. Review status: criteria provided, single submitter. Criteria: Invitae Variant Classification Sherloc (09022015). Collection method: clinical testing. Allele origin: germline.
Comment: This sequence change replaces valine, which is neutral and non-polar, with methionine, which is neutral and non-polar, at codon 2146 of the USH2A protein (p.Val2146Met). This variant is present in population databases (rs766466542, gnomAD 0.003%). This variant has not been reported in the literature in individuals affected with USH2A-related conditions. ClinVar contains an entry for this variant (Variation ID: 1042631). Algorithms developed to predict the effect of missense changes on protein structure and function are either unavailable or do not agree on the potential impact of this missense change (SIFT: "Deleterious"; PolyPhen-2: "Possibly Damaging"; Align-GVGD: "Class C15"). In summary, the available evidence is currently insufficient to determine the role of this variant in disease. Therefore, it has been classified as a Variant of Uncertain Significance.

NM_206933.4(USH2A):c.6436G>A (p.Val2146Met)

Gene: USH2A (usherin; minus strand). Cytogenetic location: 1q41.
Variant type: single nucleotide variant.
Coding change: c.6436G>A on transcript NM_206933.4 (MANE Select); coding-DNA position 6436, G replaced by A.
Protein change: p.Val2146Met; replaces valine 2146 with methionine.
Molecular consequence: missense variant.
Genome position (GRCh38, 1-based): chr1:216,000,452, C>T on the plus strand (G>A on the coding strand, the complement: USH2A is on the minus strand). VCF-style: chr1-216000452-C-T. GRCh37 (hg19) VCF-style: chr1-216173794-C-T.
Other names: short protein forms V2146M.
Identifiers: ClinVar variation 1042631 (VCV001042631.5), dbSNP rs766466542, ClinGen allele CA1395143.